The following is an entry in ClinVar:

ClinVar aggregate classification (germline): Benign. Review status: criteria provided, multiple submitters, no conflicts (2 of 4 stars). 3 submissions from 3 submitters: Benign (2). 1 of the submissions does not count toward it. Last evaluated 2025-12-29.

Conditions:
FGFRL1-related disorder. Also called: FGFRL1-related condition.

Allele frequency attached by ClinVar (database versions not stated): 1000 Genomes Project 30x 0.00422; ESP Exome Variant Server 0.00526; gnomAD 0.00582 and 0.00627; TOPMed 0.00645; gnomAD exomes 0.00125; ExAC 0.00161; 1000 Genomes Project 0.00379.
gnomAD v4.1: 1,685 of 1,598,174 alleles (0.11%); highest among the groups gnomAD compares: African/African-American, 2%; 16 homozygotes.

Submissions (3):

Labcorp Genetics (formerly Invitae), Labcorp
Classification: Benign. Last evaluated: 2025-12-29. Review status: criteria provided, single submitter. Criteria: Invitae Variant Classification Sherloc (09022015). Collection method: clinical testing. Allele origin: germline.

Breakthrough Genomics
Classification: Benign. Review status: criteria provided, single submitter. Criteria: ACMG Guidelines, 2015. Collection method: not provided. Allele origin: germline. Inheritance: Unknown mechanism. Affected: yes.

PreventionGenetics, part of Exact Sciences
Classification: Benign for FGFRL1-related condition. Last evaluated: 2019-02-23. Review status: no assertion criteria provided. Collection method: clinical testing. Allele origin: germline. Not counted in ClinVar's aggregate classification.
Comment: This variant is classified as benign based on ACMG/AMP sequence variant interpretation guidelines (Richards et al. 2015 PMID: 25741868, with internal and published modifications).

NM_001004356.3(FGFRL1):c.723G>A (p.Arg241=)

Gene: FGFRL1 (fibroblast growth factor receptor like 1; plus strand). Cytogenetic location: 4p16.3.
Variant type: single nucleotide variant.
Coding change: c.723G>A on transcript NM_001004356.3 (MANE Select); coding-DNA position 723, G replaced by A.
Protein change: p.Arg241=; no amino-acid change (arginine 241 retained).
Molecular consequence: synonymous variant.
Genome position (GRCh38, 1-based): chr4:1,024,315, G>A. VCF-style: chr4-1024315-G-A. GRCh37 (hg19) VCF-style: chr4-1018103-G-A.
Other names: c.723G>A, p.Arg241= (NM_001004358.1, NM_001370296.1, NM_021923.3).
Identifiers: ClinVar variation 790551 (VCV000790551.12), dbSNP rs116837147, ClinGen allele CA2802844.
Genomic context (GRCh38, chr4:1,024,315, plus strand): 5'-GCGGGGTAGAGTCCGGCGCGGCCCAGGAGCCATGCCCGCGTGCCACGTTCCCACAGAGCG[G>A]ACCCGTTCCAAGCCCGTGCTCACAGGCACGCACCCCGTGAACACGACGGTGGACTTCGGG-3'
Protein context (NP_001004356.1, residues 231-251): NATYKVDVIQ[Arg241=]TRSKPVLTGT